The following is an entry in ClinVar:

ClinVar aggregate classification (germline): Uncertain significance. Review status: criteria provided, multiple submitters, no conflicts (2 of 4 stars). 2 submissions from 2 submitters: Uncertain significance (2). Last evaluated 2024-07-27.

Conditions:
Inborn genetic diseases. Identifiers: MedGen C0950123, MeSH D030342.

Allele frequency attached by ClinVar (database versions not stated): gnomAD 0.00001.
gnomAD v4.1: 1 of 1,613,412 alleles (0.000062%); highest among the groups gnomAD compares: East Asian, 0.0022%; no homozygotes.

Submissions (2):

Labcorp Genetics (formerly Invitae), Labcorp
Classification: Uncertain significance. Last evaluated: 2024-07-27. Review status: criteria provided, single submitter. Criteria: Invitae Variant Classification Sherloc (09022015). Collection method: clinical testing. Allele origin: germline.
Comment: This sequence change replaces aspartic acid, which is acidic and polar, with glutamic acid, which is acidic and polar, at codon 796 of the CACNA2D4 protein (p.Asp796Glu). This variant is not present in population databases (gnomAD no frequency). This variant has not been reported in the literature in individuals affected with CACNA2D4-related conditions. An algorithm developed to predict the effect of missense changes on protein structure and function (PolyPhen-2) suggests that this variant is likely to be disruptive. In summary, the available evidence is currently insufficient to determine the role of this variant in disease. Therefore, it has been classified as a Variant of Uncertain Significance.

Ambry Genetics
Classification: Uncertain significance for Inborn genetic diseases. Last evaluated: 2024-01-08. Review status: criteria provided, single submitter. Criteria: Ambry Variant Classification Scheme 2023. Collection method: clinical testing. Allele origin: germline.

NM_172364.5(CACNA2D4):c.2388C>G (p.Asp796Glu)

Gene: CACNA2D4 (calcium voltage-gated channel auxiliary subunit alpha2delta 4; minus strand). Cytogenetic location: 12p13.33.
Variant type: single nucleotide variant.
Coding change: c.2388C>G on transcript NM_172364.5 (MANE Select); coding-DNA position 2388, C replaced by G.
Protein change: p.Asp796Glu; replaces aspartic acid 796 with glutamic acid.
Molecular consequence: missense variant.
Genome position (GRCh38, 1-based): chr12:1,844,484, G>C on the plus strand (C>G on the coding strand, the complement: CACNA2D4 is on the minus strand). VCF-style: chr12-1844484-G-C. GRCh37 (hg19) VCF-style: chr12-1953650-G-C.
Other names: c.2388C>G (NM_172364.4); short protein forms D796E.
Identifiers: ClinVar variation 2984269 (VCV002984269.4), dbSNP rs1342210044, ClinGen allele CA383358169.
Genomic context (GRCh38, chr12:1,844,484, plus strand): 5'-GTTGAAGACGAAGCTGCCAGCAGGATGCTCTGAGGCCTGGCGGTACCACAGCGGGAAGCG[G>C]TCCAGGGTGAACACGCTGGCCTCGTCCTCAGGTGTCAGGAACTTCCTGCAAGGAGGAAGA-3'
Protein context (NP_758952.4, residues 786-806): PEDEASVFTL[Asp796Glu]RFPLWYRQAS